The following is an entry in ClinVar:

NM_001384140.1(PCDH15):c.805G>A (p.Val269Ile)

Gene: PCDH15 (protocadherin related 15; minus strand). Cytogenetic location: 10q21.1.
Variant type: single nucleotide variant.
Coding change: c.805G>A on transcript NM_001384140.1 (MANE Select); coding-DNA position 805, G replaced by A.
Protein change: p.Val269Ile; replaces valine 269 with isoleucine.
Molecular consequence: missense variant.
Genome position (GRCh38, 1-based): chr10:54,317,342, C>T on the plus strand (G>A on the coding strand, the complement: PCDH15 is on the minus strand). VCF-style: chr10-54317342-C-T. GRCh37 (hg19) VCF-style: chr10-56077102-C-T.
Other names: c.820G>A, p.Val274Ile (NM_001142763.2, NM_001142769.4, NM_001142771.2); c.805G>A, p.Val269Ile (NM_001142764.2, NM_001142765.2, NM_001142766.2 and 7 more transcripts); c.694G>A, p.Val232Ile (NM_001142767.2); c.739G>A, p.Val247Ile (NM_001142768.2, NM_001142773.2, NM_001354404.2); short protein forms V274I, V232I, V247I, V269I.
Identifiers: ClinVar variation 968985 (VCV000968985.7), dbSNP rs2061340191, ClinGen allele CA376540901.
Genomic context (GRCh38, chr10:54,317,342, plus strand): 5'-ACTCAGGTATGGCAGCTTGATAAGTGAGTGGACGGCAATCACGAGTGTTTGGCACAAGGA[C>T]ACAAGGAAGAAACATTGGACCCAAGTCATCTCCATCCAGAACATCCACTGTGAGAGTGGT-3'
Protein context (NP_001371069.1, residues 259-279): DDLGPMFLPC[Val269Ile]LVPNTRDCRP

ClinVar aggregate classification (germline): Uncertain significance (1 of 4 stars; one submission).

gnomAD v4.1: 2 of 1,613,930 alleles (0.00012%); highest among the groups gnomAD compares: Non-Finnish European, 0.00017%; no homozygotes.

Submission:

Labcorp Genetics (formerly Invitae), Labcorp
Classification: Uncertain significance. Last evaluated: 2022-07-11. Review status: criteria provided, single submitter. Criteria: Invitae Variant Classification Sherloc (09022015). Collection method: clinical testing. Allele origin: germline.
Comment: This sequence change replaces valine, which is neutral and non-polar, with isoleucine, which is neutral and non-polar, at codon 269 of the PCDH15 protein (p.Val269Ile). This variant is not present in population databases (gnomAD no frequency). This variant has not been reported in the literature in individuals affected with PCDH15-related conditions. ClinVar contains an entry for this variant (Variation ID: 968985). Algorithms developed to predict the effect of missense changes on protein structure and function (SIFT, PolyPhen-2, Align-GVGD) all suggest that this variant is likely to be tolerated. In summary, the available evidence is currently insufficient to determine the role of this variant in disease. Therefore, it has been classified as a Variant of Uncertain Significance.